The following is an entry in ClinVar:

NM_016247.4(IMPG2):c.*881T>C

Gene: IMPG2 (interphotoreceptor matrix proteoglycan 2; minus strand). Cytogenetic location: 3q12.3.
Variant type: single nucleotide variant.
Coding change: c.*881T>C on transcript NM_016247.4 (MANE Select); 881 bases downstream of the stop codon, T replaced by C.
Molecular consequence: 3 prime UTR variant.
Genome position (GRCh38, 1-based): chr3:101,226,088, A>G on the plus strand (T>C on the coding strand, the complement: IMPG2 is on the minus strand). VCF-style: chr3-101226088-A-G. GRCh37 (hg19) VCF-style: chr3-100944932-A-G.
Identifiers: ClinVar variation 342308 (VCV000342308.6), dbSNP rs75852013, ClinGen allele CA10614345.
Genomic context (GRCh38, chr3:101,226,088, plus strand): 5'-AAATTAATACACCAGGAACTAGAGGAGAGACAGGATTTGCCCAAGACATCTTTAGATTTC[A>G]GAAGCAATCAGGGAACCTCAGTCCAGCAATCAAGAAACAAAATATATTCTCAGCACTGGG-3'

ClinVar aggregate classification (germline): Benign. Review status: criteria provided, multiple submitters, no conflicts (2 of 4 stars). 2 submissions from 2 submitters: Benign (2). Last evaluated 2018-01-12.

Conditions:
Retinitis pigmentosa (RP). Identifiers: Orphanet 791, MedGen C0035334, MeSH D012174, MONDO:0019200, OMIM 268000. Inheritance: Autosomal dominant, autosomal recessive and X linked inheritance.

Allele frequency attached by ClinVar (database versions not stated): gnomAD 0.12830 and 0.12848; TOPMed 0.13023; 1000 Genomes Project 30x 0.13476; 1000 Genomes Project 0.13718; gnomAD exomes 0.16761.
gnomAD v4.1: 20,130 of 154,134 alleles (13%); highest among the groups gnomAD compares: Middle Eastern, 18%; 1,389 homozygotes.

Submissions (2):

Illumina Laboratory Services, Illumina
Classification: Benign for Retinitis pigmentosa. Last evaluated: 2018-01-12. Review status: criteria provided, single submitter. Criteria: ICSL Variant Classification Criteria 13 December 2019. Collection method: clinical testing. Allele origin: germline.
Comment: This variant was observed in the ICSL laboratory as part of a predisposition screen in an ostensibly healthy population. It had not been previously curated by ICSL or reported in the Human Gene Mutation Database (HGMD: prior to June 1st, 2018), and was therefore a candidate for classification through an automated scoring system. Utilizing variant allele frequency, disease prevalence and penetrance estimates, and inheritance mode, an automated score was calculated to assess if this variant is too frequent to cause the disease. Based on the score and internal cut-off values, a variant classified as benign is not then subjected to further curation. The score for this variant resulted in a classification of benign for this disease.

Breakthrough Genomics
Classification: Benign. Review status: criteria provided, single submitter. Criteria: ACMG Guidelines, 2015. Collection method: not provided. Allele origin: germline. Inheritance: Autosomal recessive inheritance. Affected: yes.